The following is an entry in ClinVar:

ClinVar aggregate classification (germline): Uncertain significance. Review status: criteria provided, multiple submitters, no conflicts (2 of 4 stars). 3 submissions from 3 submitters: Uncertain significance (3). Last evaluated 2024-07-24.

Conditions:
Intellectual disability, autosomal dominant 16 (CSS4). Also called: COFFIN-SIRIS SYNDROME 4. Identifiers: Orphanet 1465, MedGen C3553249, MONDO:0013821, OMIM 614609.
Rhabdoid tumor predisposition syndrome 2 (RTPS2). Identifiers: Orphanet 231108, Orphanet 69077, MedGen C2750074, MONDO:0013224, OMIM 613325.
Hereditary cancer-predisposing syndrome. Also called: Neoplastic Syndromes, Hereditary; Tumor predisposition; Hereditary Cancer Syndrome; Hereditary neoplastic syndrome. Identifiers: Orphanet 140162, MedGen C0027672, MeSH D009386, MONDO:0015356.

Submissions (3):

Ambry Genetics
Classification: Uncertain significance for Hereditary cancer-predisposing syndrome. Last evaluated: 2024-07-24. Review status: criteria provided, single submitter. Criteria: Ambry Variant Classification Scheme 2023. Collection method: clinical testing. Allele origin: germline.
Comment: The p.P61S variant (also known as c.181C>T), located in coding exon 1 of the SMARCA4 gene, results from a C to T substitution at nucleotide position 181. The proline at codon 61 is replaced by serine, an amino acid with similar properties. This amino acid position is highly conserved in available vertebrate species. In addition, the in silico prediction for this alteration is inconclusive. Since supporting evidence is limited at this time, the clinical significance of this alteration remains unclear.

Labcorp Genetics (formerly Invitae), Labcorp
Classification: Uncertain significance for Rhabdoid tumor predisposition syndrome 2. Last evaluated: 2024-05-15. Review status: criteria provided, single submitter. Criteria: Invitae Variant Classification Sherloc (09022015). Collection method: clinical testing. Allele origin: germline.
Comment: This sequence change replaces proline, which is neutral and non-polar, with serine, which is neutral and polar, at codon 61 of the SMARCA4 protein (p.Pro61Ser). This variant is not present in population databases (gnomAD no frequency). This variant has not been reported in the literature in individuals affected with SMARCA4-related conditions. ClinVar contains an entry for this variant (Variation ID: 484949). Advanced modeling of protein sequence and biophysical properties (such as structural, functional, and spatial information, amino acid conservation, physicochemical variation, residue mobility, and thermodynamic stability) performed at Invitae indicates that this missense variant is not expected to disrupt SMARCA4 protein function with a negative predictive value of 95%. In summary, the available evidence is currently insufficient to determine the role of this variant in disease. Therefore, it has been classified as a Variant of Uncertain Significance.

Genome-Nilou Lab
Classification: Uncertain significance for Intellectual disability, autosomal dominant 16. Last evaluated: 2021-07-15. Review status: criteria provided, single submitter. Criteria: ACMG Guidelines, 2015. Collection method: clinical testing. Allele origin: germline. Affected: no.

NM_003072.5(SMARCA4):c.181C>T (p.Pro61Ser)

Gene: SMARCA4 (SWI/SNF related BAF chromatin remodeling complex subunit ATPase 4; plus strand). Cytogenetic location: 19p13.2.
Variant type: single nucleotide variant.
Coding change: c.181C>T on transcript NM_003072.5 (MANE Select); coding-DNA position 181, C replaced by T.
Protein change: p.Pro61Ser; replaces proline 61 with serine.
Molecular consequence: missense variant. On other transcripts: non-coding transcript variant (1).
Genome position (GRCh38, 1-based): chr19:10,984,332, C>T. VCF-style: chr19-10984332-C-T. GRCh37 (hg19) VCF-style: chr19-11095008-C-T.
Other names: c.181C>T, p.Pro61Ser (NM_001128844.3, NM_001128845.2, NM_001128846.2 and 5 more transcripts); short protein forms P61S.
Identifiers: ClinVar variation 484949 (VCV000484949.18), dbSNP rs1555751015, ClinGen allele CA404054576.